The following is an entry in ClinVar:

NM_001267550.2(TTN):c.73522A>T (p.Lys24508Ter)

Genes: TTN-AS1 (TTN antisense RNA 1; plus strand), TTN (titin; minus strand). Cytogenetic location: 2q31.2.
Variant type: single nucleotide variant.
Coding change: c.73522A>T on transcript NM_001267550.2 (MANE Select); coding-DNA position 73522, A replaced by T.
Protein change: p.Lys24508Ter; replaces lysine 24508 with a stop codon.
Molecular consequence: nonsense.
Genome position (GRCh38, 1-based): chr2:178,572,610, T>A on the plus strand (A>T on the coding strand, the complement: TTN is on the minus strand). VCF-style: chr2-178572610-T-A. GRCh37 (hg19) VCF-style: chr2-179437337-T-A.
Other names: c.68599A>T, p.Lys22867Ter (NM_001256850.1); c.46327A>T, p.Lys15443Ter (NM_003319.4); c.65818A>T, p.Lys21940Ter (NM_133378.4); c.46702A>T, p.Lys15568Ter (NM_133432.3); c.46903A>T, p.Lys15635Ter (NM_133437.4); short protein forms K15635*, K15443*, K15568*, K21940*, K22867*, K24508*.
Identifiers: ClinVar variation 2949385 (VCV002949385.3), dbSNP rs2468545550, ClinGen allele CA349638698.

ClinVar aggregate classification (germline): Likely pathogenic (1 of 4 stars; one submission).

Conditions:
Dilated cardiomyopathy 1G (CMD1G). Identifiers: Orphanet 154, MedGen C1858763, MONDO:0011400, OMIM 604145.
Autosomal recessive limb-girdle muscular dystrophy type 2J (LGMDR10). Also called: Limb-girdle muscular dystrophy, type 2J; MUSCULAR DYSTROPHY, LIMB-GIRDLE, AUTOSOMAL RECESSIVE 10. Identifiers: Orphanet 140922, MedGen C1837342, MONDO:0012127, OMIM 608807.

Submission:

Labcorp Genetics (formerly Invitae), Labcorp
Classification: Likely pathogenic for Dilated cardiomyopathy 1G; Autosomal recessive limb-girdle muscular dystrophy type 2J. Last evaluated: 2023-06-27. Review status: criteria provided, single submitter. Criteria: Invitae Variant Classification Sherloc (09022015). Collection method: clinical testing. Allele origin: germline.
Comment: In summary, the currently available evidence indicates that the variant is pathogenic, but additional data are needed to prove that conclusively. Therefore, this variant has been classified as Likely Pathogenic. This variant is located in the A band of TTN (PMID: 25589632). Truncating variants in this region are significantly overrepresented in patients affected with dilated cardiomyopathy (PMID: 25589632). Truncating variants in this region have also been reported in individuals affected with autosomal recessive centronuclear myopathy (PMID: 23975875). This variant has not been reported in the literature in individuals affected with TTN-related conditions. This variant is not present in population databases (gnomAD no frequency). This sequence change creates a premature translational stop signal (p.Lys24508*) in the TTN gene. While this is not anticipated to result in nonsense mediated decay, it is expected to create a truncated TTN protein.

Literature cited by the submitters: PubMed 25589632; PubMed 23975875.